The following is an entry in ClinVar:

ClinVar aggregate classification (germline): Benign/Likely benign. Review status: criteria provided, multiple submitters, no conflicts (2 of 4 stars). 5 submissions from 4 submitters: Benign (2); Likely benign (3). Last evaluated 2026-01-05.

Conditions:
Branchiootic syndrome 3 (BOS3). Also called: BO SYNDROME 3. Identifiers: MedGen C1842124, MONDO:0012025, OMIM 608389.
Autosomal dominant nonsyndromic hearing loss 23. Identifiers: Orphanet 90635, MedGen C1854594, MONDO:0011519, OMIM 605192.

Allele frequency attached by ClinVar (database versions not stated): gnomAD 0.00011; TOPMed 0.00020; ExAC 0.00031; gnomAD exomes 0.00035.
gnomAD v4.1: 311 of 1,613,814 alleles (0.019%); highest among the groups gnomAD compares: East Asian, 0.62%; 1 homozygote.

Submissions (5):

Labcorp Genetics (formerly Invitae), Labcorp
Classification: Benign for Autosomal dominant nonsyndromic hearing loss 23; Branchiootic syndrome 3. Last evaluated: 2026-01-05. Review status: criteria provided, single submitter. Criteria: Invitae Variant Classification Sherloc (09022015). Collection method: clinical testing. Allele origin: germline.

Blueprint Genetics
Classification: Likely benign. Last evaluated: 2024-09-18. Review status: criteria provided, single submitter. Criteria: ACMG Guidelines, 2015. Collection method: clinical testing. Allele origin: germline.

GeneDx
Classification: Likely benign. Last evaluated: 2021-04-29. Review status: criteria provided, single submitter. Criteria: GeneDx Variant Classification Process June 2021. Collection method: clinical testing. Allele origin: germline. Affected: yes.

Illumina Laboratory Services, Illumina
Classification: Likely benign for Autosomal dominant nonsyndromic hearing loss 23. Last evaluated: 2018-01-13. Review status: criteria provided, single submitter. Criteria: ICSL Variant Classification Criteria 13 December 2019. Collection method: clinical testing. Allele origin: germline.
Comment: This variant was observed in the ICSL laboratory as part of a predisposition screen in an ostensibly healthy population. It had not been previously curated by ICSL or reported in the Human Gene Mutation Database (HGMD: prior to June 1st, 2018), and was therefore a candidate for classification through an automated scoring system. Utilizing variant allele frequency, disease prevalence and penetrance estimates, and inheritance mode, an automated score was calculated to assess if this variant is too frequent to cause the disease. Based on the score and internal cut-off values, a variant classified as likely benign is not then subjected to further curation. The score for this variant resulted in a classification of likely benign for this disease.

Illumina Laboratory Services, Illumina
Classification: Benign for Branchiootic syndrome 3. Last evaluated: 2018-01-13. Review status: criteria provided, single submitter. Criteria: ICSL Variant Classification Criteria 13 December 2019. Collection method: clinical testing. Allele origin: germline.
Comment: This variant was observed in the ICSL laboratory as part of a predisposition screen in an ostensibly healthy population. It had not been previously curated by ICSL or reported in the Human Gene Mutation Database (HGMD: prior to June 1st, 2018), and was therefore a candidate for classification through an automated scoring system. Utilizing variant allele frequency, disease prevalence and penetrance estimates, and inheritance mode, an automated score was calculated to assess if this variant is too frequent to cause the disease. Based on the score and internal cut-off values, a variant classified as benign is not then subjected to further curation. The score for this variant resulted in a classification of benign for this disease.

NM_005982.4(SIX1):c.180C>G (p.Arg60=)

Gene: SIX1 (SIX homeobox 1; minus strand). Cytogenetic location: 14q23.1.
Variant type: single nucleotide variant.
Coding change: c.180C>G on transcript NM_005982.4 (MANE Select); coding-DNA position 180, C replaced by G.
Protein change: p.Arg60=; no amino-acid change (arginine 60 retained).
Molecular consequence: synonymous variant.
Genome position (GRCh38, 1-based): chr14:60,649,010, G>C on the plus strand (C>G on the coding strand, the complement: SIX1 is on the minus strand). VCF-style: chr14-60649010-G-C. GRCh37 (hg19) VCF-style: chr14-61115728-G-C.
Identifiers: ClinVar variation 313466 (VCV000313466.54), dbSNP rs781519092, ClinGen allele CA7212849.